The following is an entry in ClinVar:

ClinVar aggregate classification (germline): Likely benign (1 of 4 stars; one submission).

gnomAD v4.1: 27 of 1,562,010 alleles (0.0017%); highest among the groups gnomAD compares: African/African-American, 0.021%; no homozygotes.

Submission:

CeGaT Center for Human Genetics Tuebingen
Classification: Likely benign. Last evaluated: 2024-09-01. Review status: criteria provided, single submitter. Criteria: CeGaT Center For Human Genetics Tuebingen Variant Classification Criteria Version 2. Collection method: clinical testing. Allele origin: germline. Affected: yes. Observed: 1 variant allele.
Comment: DNAH8: BP4, BP7

NM_001206927.2(DNAH8):c.1593G>A (p.Thr531=)

Gene: DNAH8 (dynein axonemal heavy chain 8; plus strand). Cytogenetic location: 6p21.2.
Variant type: single nucleotide variant.
Coding change: c.1593G>A on transcript NM_001206927.2 (MANE Select); coding-DNA position 1593, G replaced by A.
Protein change: p.Thr531=; no amino-acid change (threonine 531 retained).
Molecular consequence: synonymous variant.
Genome position (GRCh38, 1-based): chr6:38,761,779, G>A. VCF-style: chr6-38761779-G-A. GRCh37 (hg19) VCF-style: chr6-38729555-G-A.
Other names: c.942G>A, p.Thr314= (NM_001371.4).
Identifiers: ClinVar variation 3389742 (VCV003389742.14).